The following is an entry in ClinVar:

NM_001347721.2(DYRK1A):c.985dup (p.Tyr329fs)

Gene: DYRK1A (dual specificity tyrosine phosphorylation regulated kinase 1A; plus strand). Cytogenetic location: 21q22.13.
Variant type: Duplication.
Coding change: c.985dup on transcript NM_001347721.2 (MANE Select); coding-DNA position 985, one base duplicated (T; older notation c.985dupT).
Protein change: p.Tyr329fs; shifts the reading frame from tyrosine 329.
Molecular consequence: frameshift variant.
Genome position (GRCh38, 1-based): chr21:37,493,077, T duplicated; the last of 2 consecutive T bases (chr21:37,493,076-37,493,077); duplicating either gives the same sequence. VCF-style (leftmost placement, unchanged base first): chr21-37493075-C-CT. GRCh37 (hg19) VCF-style: chr21-38865377-C-CT.
Other names: c.985dup, p.Tyr329fs (NM_001347722.2, NM_130436.2); c.898dup, p.Tyr300fs (NM_001347723.2); c.1012dup, p.Tyr338fs (NM_001396.5, NM_101395.2, NM_130438.2); short protein forms Y329fs, Y338fs, Y300fs.
Identifiers: ClinVar variation 2707178 (VCV002707178.3), dbSNP rs2518037791, ClinGen allele CA2697547510.

ClinVar aggregate classification (germline): Pathogenic (1 of 4 stars; one submission).

Conditions:
DYRK1A-related intellectual disability syndrome (MRD7). Also called: Intellectual developmental disorder, autosomal dominant 7; DYRK1A Syndrome. Identifiers: Orphanet 464306, MedGen C5568143, MONDO:0013578, OMIM 614104.

Submission:

Labcorp Genetics (formerly Invitae), Labcorp
Classification: Pathogenic for DYRK1A-related intellectual disability syndrome. Last evaluated: 2024-01-03. Review status: criteria provided, single submitter. Criteria: Invitae Variant Classification Sherloc (09022015). Collection method: clinical testing. Allele origin: germline.
Comment: This sequence change creates a premature translational stop signal (p.Tyr338Leufs*2) in the DYRK1A gene. It is expected to result in an absent or disrupted protein product. Loss-of-function variants in DYRK1A are known to be pathogenic (PMID: 25944381). This variant is not present in population databases (gnomAD no frequency). This variant has not been reported in the literature in individuals affected with DYRK1A-related conditions. For these reasons, this variant has been classified as Pathogenic.

Literature cited by the submitters: PubMed 25944381.